The following continues an entry in ClinVar:

NM_000243.3(MEFV):c.2082G>A (p.Met694Ile)

ClinVar aggregate classification (germline): Pathogenic/Likely pathogenic. Pathogenic (38); Likely pathogenic (1).

Submissions 13 to 29 of 46:

Genetic Services Laboratory, University of Chicago
Classification: Pathogenic. Last evaluated: 2024-06-03. Review status: criteria provided, single submitter. Criteria: ACMG Guidelines, 2015. Collection method: clinical testing. Allele origin: germline. Affected: yes.
Comment: DNA sequence analysis of the MEFV gene demonstrated a sequence change, c.2082G>A, in exon 10 that results in an amino acid change, p.Met694Ile. This sequence change has been described in the gnomAD database with a frequency of 0.18% in the Middle Eastern subpopulation (dbSNP rs28940578).The p.Met694Ile change affects a moderately conserved amino acid residue located in a domain of the MEFV protein that is known to be functional. In-silico pathogenicity prediction tools (SIFT, PolyPhen2, Align GVGD, REVEL) provide contradictory results for the p.Met694Ile substitution. This pathogenic sequence change is the most common variant known to be associated with familial Mediterranean fever (FMF) and has been reported in the homozygous and compound heterozygous state in multiple individuals (PMIDS: 10787449, 12064853, 15168590, 15805719, 20051664). Functional studies have shown that this missense change affects MEFV function (PMID: 24318677). Other missense changes altering the same residue and nearby residues has also been reported in cases with FMF (9781020, 10364520, 12064853, 21290976, 22037353). Collectively, this evidence indicates that this variant is pathogenic.

Baylor Genetics
Classification: Pathogenic for Familial Mediterranean fever, autosomal dominant. Last evaluated: 2024-03-27. Review status: criteria provided, single submitter. Criteria: ACMG Guidelines, 2015. Collection method: clinical testing. Allele origin: unknown.

Fulgent Genetics
Classification: Pathogenic for Familial Mediterranean fever, autosomal dominant; Familial Mediterranean fever; Acute febrile neutrophilic dermatosis. Last evaluated: 2024-02-02. Review status: criteria provided, single submitter. Criteria: ACMG Guidelines, 2015. Collection method: clinical testing. Allele origin: germline.

Institute of Human Genetics Munich, TUM University Hospital
Classification: Pathogenic for Familial Mediterranean fever. Last evaluated: 2023-09-08. Review status: criteria provided, single submitter. Criteria: Classification criteria August 2017. Collection method: clinical testing. Allele origin: germline. Inheritance: Autosomal recessive inheritance. Affected: yes. Observed: 1 variant allele.

Department of Pathology and Laboratory Medicine, Sinai Health System
Classification: Pathogenic for Familial Mediterranean fever, autosomal dominant; Acute febrile neutrophilic dermatosis; Familial Mediterranean fever. Last evaluated: 2023-08-10. Review status: criteria provided, single submitter. Criteria: ACMG Guidelines, 2015. Collection method: research. Allele origin: germline.

Victorian Clinical Genetics Services, Murdoch Childrens Research Institute
Classification: Pathogenic for Familial Mediterranean fever, autosomal dominant. Last evaluated: 2023-07-17. Review status: criteria provided, single submitter. Criteria: ACMG Guidelines, 2015. Collection method: clinical testing. Allele origin: germline. Affected: no.
Comment: Based on the classification scheme VCGS_Germline_v1.3.4, this variant is classified as Pathogenic. Following criteria are met: 0101 - Gain of function is a known mechanism of disease in this gene and is associated with familial Mediterranean fever (FMF; MIM#134610, MIM# 249100). Gain of function is a mechanism demonstrated by mouse models (PMID: 21600797). However, there has been some controversy as to whether this is due to a loss of an inhibitor or gain of pro-inflammatory function (PMID: 31088470). (I) 0108 - This gene is associated with both recessive and dominant disease. FMF is mostly autosomal recessive, however approximately 31% of patients with clinical FMF lack a second disease-associated variant (PMID: 29393966, PMID: 31088470). (I) 0112 - The condition associated with this gene has incomplete penetrance. Incomplete penetrance has been reported for variants in this gene (PMID: 11528510, PMID: 29393966). Penetrance for autosomal dominant FMF is incomplete, and the clinical severity is less than in autosomal recessive FMF (PMID: 20301405). (I) 0115 - Variants in this gene are known to have variable expressivity. There is variability of clinical symptoms in patients carrying the same mutations, even within the same family (PMID: 29393966). Previous studies have identified significant effects of modifying genes and environmental factors on the clinical phenotypes (PMID: 31088470). 0200 - Variant is predicted to result in a missense amino acid change from methionine to isoleucine. (I) 0251 - This variant is heterozygous. (I) 0304 - Variant is present in gnomAD (v2) <0.01 (36 heterozygotes, 0 homozygotes). (SP) 0309 - An alternative amino acid change at the same position has been observed in gnomAD (v2) (75 heterozygotes, 1 homozygote). (I) 0503 - Missense variant consistently predicted to be tolerated by multiple in silico tools or not conserved in placental mammals with a minor amino acid change. (SB) 0600 - Variant is located in the annotated SPRY domain (DECIPHER). (I) 0801 - This variant has strong previous evidence of pathogenicity in unrelated individuals. This variant has been classified multiple times as pathogenic, and is one of the most common alleles in individuals with familial Mediterranean fever. It has been observed in heterozygous, compound heterozygous and homozygous affected individuals. Additionally, individuals homozygous for this variant are more likely to develop renal amyloidosis (InFevers, ClinVar, GeneReviews, PMID: 27956278, PMID: 35490273, PMID: 32676558). (SP) 1208 - Inheritance information for this variant is not currently available in this individual. (I) Legend: (SP) - Supporting pathogenic, (I) - Information, (SB) - Supporting benign

Clinical Genetics Laboratory, Skane University Hospital Lund
Classification: Pathogenic. Last evaluated: 2023-06-02. Review status: criteria provided, single submitter. Criteria: ACMG Guidelines, 2015. Collection method: clinical testing. Allele origin: germline. Affected: yes.

Genomic Medicine Center of Excellence, King Faisal Specialist Hospital and Research Centre
Classification: Likely pathogenic for Familial Mediterranean fever. Last evaluated: 2023-05-08. Review status: criteria provided, single submitter. Criteria: ACMG Guidelines, 2015. Collection method: research. Allele origin: germline. Affected: yes.

Mendelics
Classification: Pathogenic for Familial Mediterranean fever. Last evaluated: 2023-03-30. Review status: criteria provided, single submitter. Criteria: Mendelics Assertion Criteria 2017. Collection method: clinical testing. Allele origin: unknown.

Laboratory for Molecular Medicine, Mass General Brigham Personalized Medicine
Classification: Pathogenic for Familial Mediterranean fever. Last evaluated: 2022-11-03. Review status: criteria provided, single submitter. Criteria: ACMG Guidelines, 2015. Collection method: clinical testing. Allele origin: germline.
Comment: The p.Met694Ile variant in MEFV is one of the most commonly reported pathogenic variant (both in the homozygous and compound heterozygous state) in individuals with familial Mediterranean fever (examples: Majeed 2005 PMID: 15942916, Moradian 2014 PMID: 23907647). It has been reported in ClinVar ( Variation ID 2539) and has been identified in 1/316 Middle Eastern and 3/5196 East Asian chromosomes (among other population where the variant freqency is lower) by gnomAD (. Computational prediction tools and conservation analyses do not provide strong support for or against an impact to the protein. In vitro functional studies provide some evidence that this variant affects the level of IL8 secretion (Sugiyama 2014 PMID: 24318677). In summary, this variant meets criteria to be classified as pathogenic for autosomal recessive familial Mediterranean fever. ACMG/AMP Criteria applied: PM2_Supporting, PM3_VeryStrong, PS3_Supporting.

Laboratory of Medical Genetics, National & Kapodistrian University of Athens
Classification: Pathogenic for Familial Mediterranean fever. Last evaluated: 2022-07-18. Review status: criteria provided, single submitter. Criteria: ACMG Guidelines, 2015. Collection method: clinical testing. Allele origin: germline. Affected: yes.
Comment: PS3, PM1, PM5, PM2, PP5, BP4

MGZ Medical Genetics Center
Classification: Pathogenic for Familial Mediterranean fever. Last evaluated: 2022-04-11. Review status: criteria provided, single submitter. Criteria: ACMG Guidelines, 2015. Collection method: clinical testing. Allele origin: germline. Affected: yes. Observed: 2 variant alleles.
Comment: ACMG criteria applied: PS3, PS4, PM3, PM5, PM2_SUP, PP1

Genome Diagnostics Laboratory, The Hospital for Sick Children
Classification: Pathogenic for Autoinflammatory syndrome. Last evaluated: 2022-03-25. Review status: criteria provided, single submitter. Criteria: ACMG Guidelines, 2015. Collection method: clinical testing. Allele origin: germline. Affected: yes.

Genetics and Molecular Pathology, SA Pathology
Classification: Pathogenic for Familial Mediterranean fever. Last evaluated: 2022-02-17. Review status: criteria provided, single submitter. Criteria: ACMG Guidelines, 2015. Collection method: clinical testing. Allele origin: germline. Inheritance: Autosomal recessive inheritance. Affected: yes.

Institute of Medical Genetics and Applied Genomics, University Hospital Tübingen
Classification: Pathogenic. Last evaluated: 2021-02-01. Review status: criteria provided, single submitter. Criteria: ACMG Guidelines, 2015. Collection method: clinical testing. Allele origin: germline. Inheritance: Autosomal recessive inheritance. Affected: yes.

Dubai Health Genomic Medicine Center, Dubai Health
Classification: Pathogenic for Familial Mediterranean fever, autosomal dominant. Last evaluated: 2020-10-04. Review status: criteria provided, single submitter. Criteria: ACMG Guidelines, 2015. Collection method: clinical testing. Allele origin: germline. Affected: yes.

GeneDx
Classification: Pathogenic. Last evaluated: 2020-06-15. Review status: criteria provided, single submitter. Criteria: GeneDx Variant Classification Process June 2021. Collection method: clinical testing. Allele origin: germline. Affected: yes.
Comment: Published functional studies demonstrate that M694I alters the level of IL8 secretion in vitro (Sugiyama et al., 2014); This variant is associated with the following publications: (PMID: 26413094, 26399837, 27150194, 26400644, 25393764, 25286988, 25449140, 25528861, 26003477, 24286006, 23907647, 21727109, 10090880, 19863562, 11938447, 12924509, 10787449, 11175300, 26299986, 24318677, 24533546, 26074413, 26173767, 15942916, 22975760, 24593212, 22766764, 20051664, 15168590, 23461592, 15805719, 12064853, 27181238, 16704654, 19480334, 9288094, 17711558, 16730661, 16378925, 10612841, 10234504, 10024914, 29543225, 28828621, 32199921, 29080837, 31589614, 33440462, 10842289, 10852276, 10662876)